The following is an entry in ClinVar:

ClinVar aggregate classification (germline): Uncertain significance (1 of 4 stars; one submission).

Conditions:
Bardet-Biedl syndrome (BBS). Identifiers: Orphanet 110, MedGen C0752166, MONDO:0015229.

Submission:

Labcorp Genetics (formerly Invitae), Labcorp
Classification: Uncertain significance for Bardet-Biedl syndrome. Last evaluated: 2022-10-17. Review status: criteria provided, single submitter. Criteria: Invitae Variant Classification Sherloc (09022015). Collection method: clinical testing. Allele origin: germline.
Comment: This sequence change replaces valine, which is neutral and non-polar, with glutamic acid, which is acidic and polar, at codon 257 of the BBS2 protein (p.Val257Glu). This variant is not present in population databases (gnomAD no frequency). This variant has not been reported in the literature in individuals affected with BBS2-related conditions. Advanced modeling of protein sequence and biophysical properties (such as structural, functional, and spatial information, amino acid conservation, physicochemical variation, residue mobility, and thermodynamic stability) performed at Invitae indicates that this missense variant is not expected to disrupt BBS2 protein function. In summary, the available evidence is currently insufficient to determine the role of this variant in disease. Therefore, it has been classified as a Variant of Uncertain Significance.

NM_031885.5(BBS2):c.770T>A (p.Val257Glu)

Gene: BBS2 (Bardet-Biedl syndrome 2; minus strand). Cytogenetic location: 16q13.
Variant type: single nucleotide variant.
Coding change: c.770T>A on transcript NM_031885.5 (MANE Select); coding-DNA position 770, T replaced by A.
Protein change: p.Val257Glu; replaces valine 257 with glutamic acid.
Molecular consequence: missense variant. On other transcripts: non-coding transcript variant (5).
Genome position (GRCh38, 1-based): chr16:56,505,984, A>T on the plus strand (T>A on the coding strand, the complement: BBS2 is on the minus strand). VCF-style: chr16-56505984-A-T. GRCh37 (hg19) VCF-style: chr16-56539896-A-T.
Other names: c.770T>A, p.Val257Glu (NM_001377456.1); short protein forms V257E.
Identifiers: ClinVar variation 1934064 (VCV001934064.5), dbSNP rs2543720678, ClinGen allele CA395982670.